The following is an entry in ClinVar:

ClinVar aggregate classification (germline): Uncertain significance (1 of 4 stars; one submission).

Conditions:
Mitochondrial complex II deficiency, nuclear type 1. Also called: SUCCINATE CoQ REDUCTASE DEFICIENCY. Identifiers: Orphanet 3208, MedGen C5700310, MONDO:0100294, OMIM 252011.
Pheochromocytoma/paraganglioma syndrome 5. Also called: Paragangliomas 5; SDHA-Related Hereditary Paraganglioma-Pheochromocytoma Syndrome. Identifiers: Orphanet 29072, MedGen C3279992, MONDO:0013602, OMIM 614165.

Submission:

Labcorp Genetics (formerly Invitae), Labcorp
Classification: Uncertain significance for Pheochromocytoma/paraganglioma syndrome 5; Mitochondrial complex II deficiency, nuclear type 1. Last evaluated: 2022-05-03. Review status: criteria provided, single submitter. Criteria: Invitae Variant Classification Sherloc (09022015). Collection method: clinical testing. Allele origin: germline.
Comment: In summary, the available evidence is currently insufficient to determine the role of this variant in disease. Therefore, it has been classified as a Variant of Uncertain Significance. This variant has not been reported in the literature in individuals affected with SDHA-related conditions. This variant is not present in population databases (gnomAD no frequency). This variant, c.7_24dup, results in the insertion of 6 amino acid(s) of the SDHA protein (p.Gly3_Ser8dup), but otherwise preserves the integrity of the reading frame.

NM_004168.4(SDHA):c.7_24dup (p.Ser8_Arg9insGlyValArgGlyLeuSer)

Gene: SDHA (succinate dehydrogenase complex flavoprotein subunit A; plus strand). Cytogenetic location: 5p15.33.
Variant type: Duplication.
Coding change: c.7_24dup on transcript NM_004168.4 (MANE Select); coding-DNA positions 7 to 24, 18 bases duplicated (GGGGTCCGGGGCCTGTCG).
Protein change: p.Ser8_Arg9insGlyValArgGlyLeuSer.
Molecular consequence: inframe insertion, initiator codon variant.
Genome position (GRCh38, 1-based): chr5:218,362-218,379, GGGGTCCGGGGCCTGTCG duplicated; duplicating any 18 consecutive bases within chr5:218,357-218,379 gives the same sequence; the c. name uses the placement nearest the transcript's 3' end. VCF-style (leftmost placement, unchanged base first): chr5-218356-A-ATGTCGGGGGTCCGGGGCC. GRCh37 (hg19) VCF-style: chr5-218471-A-ATGTCGGGGGTCCGGGGCC.
Other names: c.7_24dup, p.Ser8_Arg9insGlyValArgGlyLeuSer (NM_001294332.2, NM_001330758.2).
Identifiers: ClinVar variation 2132819 (VCV002132819.5), dbSNP rs1734496050, ClinGen allele CA1521976436.
Genomic context (GRCh38, chr5:218,356, plus strand): 5'-GTGGTGCGCAGGCGCAGTCTGCGCAGGGACTGGCGGGACTGCGCGGCGGCAACAGCAGAC[A>ATGTCGGGGGTCCGGGGCC]TGTCGGGGGTCCGGGGCCTGTCGCGGCTGCTGAGCGCTCGGCGCCTGGCGCTGGCCAAGG-3'